The following is an entry in ClinVar:

NM_018489.3(ASH1L):c.5948G>A (p.Arg1983His)

Gene: ASH1L (ASH1 like histone lysine methyltransferase; minus strand). Cytogenetic location: 1q22.
Variant type: single nucleotide variant.
Coding change: c.5948G>A on transcript NM_018489.3 (MANE Select); coding-DNA position 5948, G replaced by A.
Protein change: p.Arg1983His; replaces arginine 1983 with histidine.
Molecular consequence: missense variant.
Genome position (GRCh38, 1-based): chr1:155,415,804, C>T on the plus strand (G>A on the coding strand, the complement: ASH1L is on the minus strand). VCF-style: chr1-155415804-C-T. GRCh37 (hg19) VCF-style: chr1-155385595-C-T.
Other names: c.5948G>A, p.Arg1983His (NM_001366177.2); short protein forms R1983H.
Identifiers: ClinVar variation 4822212 (VCV004822212.4).

ClinVar aggregate classification (germline): Likely benign (1 of 4 stars; one submission).

gnomAD v4.1: 21 of 1,613,696 alleles (0.0013%); highest among the groups gnomAD compares: East Asian, 0.0045%; no homozygotes.

Submission:

CeGaT Center for Human Genetics Tuebingen
Classification: Likely benign. Last evaluated: 2026-01-01. Review status: criteria provided, single submitter. Criteria: CeGaT Center For Human Genetics Tuebingen Variant Classification Criteria Version 2. Collection method: clinical testing. Allele origin: germline. Affected: yes. Observed: 1 variant allele.
Comment: ASH1L: BS1